The following is an entry in ClinVar:

NM_182914.3(SYNE2):c.10327G>A (p.Val3443Met)

Gene: SYNE2 (spectrin repeat containing nuclear envelope protein 2; plus strand). Cytogenetic location: 14q23.2.
Variant type: single nucleotide variant.
Coding change: c.10327G>A on transcript NM_182914.3 (MANE Select); coding-DNA position 10327, G replaced by A.
Protein change: p.Val3443Met; replaces valine 3443 with methionine.
Molecular consequence: missense variant.
Genome position (GRCh38, 1-based): chr14:64,065,546, G>A. VCF-style: chr14-64065546-G-A. GRCh37 (hg19) VCF-style: chr14-64532264-G-A.
Other names: c.10327G>A, p.Val3443Met (NM_015180.6); short protein forms V3443M.
Identifiers: ClinVar variation 663151 (VCV000663151.11), dbSNP rs564182126, ClinGen allele CA7221482.

ClinVar aggregate classification (germline): Uncertain significance. Review status: criteria provided, multiple submitters, no conflicts (2 of 4 stars). 3 submissions from 3 submitters: Uncertain significance (2). 1 of the submissions does not count toward it. Last evaluated 2025-10-01.

Conditions:
Emery-Dreifuss muscular dystrophy 5, autosomal dominant (EDMD5). Also called: EMERY-DREIFUSS MUSCULAR DYSTROPHY 5. Identifiers: Orphanet 261, MedGen C2751805, MONDO:0013072, OMIM 612999.

Allele frequency attached by ClinVar (database versions not stated): ExAC 0.00003; gnomAD 0.00003; TOPMed 0.00003; 1000 Genomes Project 30x 0.00031; 1000 Genomes Project 0.00040.
gnomAD v4.1: 14 of 1,614,150 alleles (0.00087%); highest among the groups gnomAD compares: Admixed American, 0.017%; 1 homozygote.

Submissions (3):

Labcorp Genetics (formerly Invitae), Labcorp
Classification: Uncertain significance for Emery-Dreifuss muscular dystrophy 5, autosomal dominant. Last evaluated: 2025-10-01. Review status: criteria provided, single submitter. Criteria: Invitae Variant Classification Sherloc (09022015). Collection method: clinical testing. Allele origin: germline.
Comment: This sequence change replaces valine, which is neutral and non-polar, with methionine, which is neutral and non-polar, at codon 3443 of the SYNE2 protein (p.Val3443Met). This variant is present in population databases (rs564182126, gnomAD 0.01%). This variant has not been reported in the literature in individuals affected with SYNE2-related conditions. ClinVar contains an entry for this variant (Variation ID: 663151). An algorithm developed to predict the effect of missense changes on protein structure and function outputs the following: PolyPhen-2: "Benign". The methionine amino acid residue is found in multiple mammalian species, which suggests that this missense change does not adversely affect protein function. In summary, the available evidence is currently insufficient to determine the role of this variant in disease. Therefore, it has been classified as a Variant of Uncertain Significance.

Ambry Genetics
Classification: Uncertain significance. Last evaluated: 2024-01-22. Review status: criteria provided, single submitter. Criteria: Ambry Variant Classification Scheme 2023. Collection method: clinical testing. Allele origin: germline.

Department of Pathology and Laboratory Medicine, Sinai Health System
Classification: Uncertain significance. Review status: no assertion criteria provided. Collection method: clinical testing. Allele origin: unknown. Affected: yes. Study: The Canadian Open Genetics Repository (COGR). Not counted in ClinVar's aggregate classification.
Comment: The SYNE2 p.V3443M variant was not identified in the literature but was identified in dbSNP (ID: rs564182126) and ClinVar (classified as uncertain significance by Invitae). The variant was identified in control databases in 6 of 280868 chromosomes at a frequency of 0.00002136 (Genome Aggregation Database March 6, 2019, v2.1.1). The p.V3443 residue is not conserved in mammals and computational analyses (MUT Assesor, PolyPhen-2, SIFT, MutationTaster, Revel, FATHMM, MetaLR, DANN) do not suggest a high likelihood of impact to the protein; this information is not predictive enough to rule out pathogenicity. The variant occurs outside of the splicing consensus sequence and in silico or computational prediction software programs (Splice AI exome) do not predict a difference in splicing. In summary, based on the above information the clinical significance of this variant cannot be determined with certainty at this time. This variant is classified as a variant of uncertain significance.